The following is an entry in ClinVar:

ClinVar aggregate classification (germline): Conflicting classifications of pathogenicity. Review status: criteria provided, conflicting classifications (1 of 4 stars). 4 submissions from 4 submitters: Uncertain significance (1); Likely benign (1). 2 of the submissions do not count toward it. Last evaluated 2024-11-04.

Conditions:
Retinal dystrophy. Also called: Inherited retinal dystrophy. Identifiers: Orphanet 71862, MedGen C0854723, MeSH D058499, MONDO:0019118, HP:0000556.
Retinitis pigmentosa 25 (RP25). Identifiers: Orphanet 791, MedGen C1864446, MONDO:0011272, OMIM 602772.

Allele frequency attached by ClinVar (database versions not stated): gnomAD 0.00001; gnomAD exomes 0.00001 and 0.00002; TOPMed 0.00002.
gnomAD v4.1: 32 of 1,509,426 alleles (0.0021%); highest among the groups gnomAD compares: Non-Finnish European, 0.0027%; no homozygotes.

Submissions (4):

Blueprint Genetics
Classification: Likely benign. Last evaluated: 2024-11-04. Review status: criteria provided, single submitter. Criteria: ACMG Guidelines, 2015. Collection method: clinical testing. Allele origin: germline.

Labcorp Genetics (formerly Invitae), Labcorp
Classification: Uncertain significance. Last evaluated: 2022-07-19. Review status: criteria provided, single submitter. Criteria: Invitae Variant Classification Sherloc (09022015). Collection method: clinical testing. Allele origin: germline.
Comment: This sequence change falls in intron 25 of the EYS gene. It does not directly change the encoded amino acid sequence of the EYS protein. It affects a nucleotide within the consensus splice site. This variant is present in population databases (no rsID available, gnomAD 0.002%). This variant has not been reported in the literature in individuals affected with EYS-related conditions. ClinVar contains an entry for this variant (Variation ID: 1052895). Variants that disrupt the consensus splice site are a relatively common cause of aberrant splicing (PMID: 17576681, 9536098). Algorithms developed to predict the effect of sequence changes on RNA splicing suggest that this variant is not likely to affect RNA splicing. In summary, the available evidence is currently insufficient to determine the role of this variant in disease. Therefore, it has been classified as a Variant of Uncertain Significance.

Natera, Inc.
Classification: Uncertain significance for Retinitis pigmentosa type 25. Last evaluated: 2021-03-23. Review status: no assertion criteria provided. Collection method: clinical testing. Allele origin: germline. Not counted in ClinVar's aggregate classification.

Institute of Human Genetics, Univ. Regensburg, Univ. Regensburg
Classification: Uncertain significance for Retinal dystrophy. Last evaluated: 2019-01-01. Review status: no assertion criteria provided. Criteria: ACMG Guidelines, 2015. Collection method: clinical testing. Allele origin: germline. Affected: yes. Not counted in ClinVar's aggregate classification.

Literature cited by the submitters: PubMed 17576681 (cited by Labcorp Genetics (formerly Invitae), Labcorp); PubMed 9536098 (cited by Labcorp Genetics (formerly Invitae), Labcorp).

NM_001142800.2(EYS):c.3877+6T>C

Gene: EYS (EGF-like photoreceptor maintenance factor; minus strand). Cytogenetic location: 6q12.
Variant type: single nucleotide variant.
Coding change: c.3877+6T>C on transcript NM_001142800.2 (MANE Select); 6 bases into the intron after coding-DNA position 3877, T replaced by C.
Molecular consequence: intron variant.
Genome position (GRCh38, 1-based): chr6:64,593,111, A>G on the plus strand (T>C on the coding strand, the complement: EYS is on the minus strand). VCF-style: chr6-64593111-A-G. GRCh37 (hg19) VCF-style: chr6-65303004-A-G.
Other names: c.3877+6T>C (NM_001292009.2).
Identifiers: ClinVar variation 1052895 (VCV001052895.9), dbSNP rs937888425, ClinGen allele CA140341126.